The following is an entry in ClinVar:

NM_001267550.2(TTN):c.36088del (p.Ser12030fs)

Gene: TTN (titin; minus strand). Cytogenetic location: 2q31.2.
Variant type: Deletion.
Coding change: c.36088del on transcript NM_001267550.2 (MANE Select); coding-DNA position 36088, one base deleted (T; older notation c.36088delT).
Protein change: p.Ser12030fs; shifts the reading frame from serine 12030.
Molecular consequence: frameshift variant. On other transcripts: intron variant (5).
Genome position (GRCh38, 1-based): chr2:178,664,882, A deleted on the plus strand (T on the coding strand, the reverse complement: TTN is on the minus strand); the first of 2 consecutive A bases (chr2:178,664,882-178,664,883); deleting either gives the same sequence. VCF-style (leftmost placement, unchanged base first): chr2-178664881-GA-G. GRCh37 (hg19) VCF-style: chr2-179529608-GA-G.
Other names: c.13283-22565del (NM_003319.4); c.13859-22565del (NM_133437.4); c.13658-22565del (NM_133432.3); c.31484-1827del (NM_133378.4); c.34265-1827del (NM_001256850.1); short protein forms S12030fs.
Identifiers: ClinVar variation 2030704 (VCV002030704.4), dbSNP rs2473028057, ClinGen allele CA2580065059.

ClinVar aggregate classification (germline): Likely pathogenic (1 of 4 stars; one submission).

Conditions:
Dilated cardiomyopathy 1G (CMD1G). Identifiers: Orphanet 154, MedGen C1858763, MONDO:0011400, OMIM 604145.
Autosomal recessive limb-girdle muscular dystrophy type 2J (LGMDR10). Also called: Limb-girdle muscular dystrophy, type 2J; MUSCULAR DYSTROPHY, LIMB-GIRDLE, AUTOSOMAL RECESSIVE 10. Identifiers: Orphanet 140922, MedGen C1837342, MONDO:0012127, OMIM 608807.

Submission:

Labcorp Genetics (formerly Invitae), Labcorp
Classification: Likely pathogenic for Dilated cardiomyopathy 1G; Autosomal recessive limb-girdle muscular dystrophy type 2J. Last evaluated: 2024-10-28. Review status: criteria provided, single submitter. Criteria: Invitae Variant Classification Sherloc (09022015). Collection method: clinical testing. Allele origin: germline.
Comment: This sequence change creates a premature translational stop signal (p.Ser12030Profs*128) in the TTN gene. While this is not anticipated to result in nonsense mediated decay, it is expected to create a truncated TTN protein. This variant is not present in population databases (gnomAD no frequency). This variant has not been reported in the literature in individuals affected with TTN-related conditions. ClinVar contains an entry for this variant (Variation ID: 2030704). This variant is located in the I band of TTN (PMID: 25589632). Truncating variants in this region have been reported in individuals affected with autosomal recessive centronuclear myopathy (PMID: 23975875, internal data). Truncating variants in this region have also been identified in individuals affected with autosomal dominant dilated cardiomyopathy and/or cardio-related conditions (PMID: 27869827, 32964742, internal data). In summary, the currently available evidence indicates that the variant is pathogenic, but additional data are needed to prove that conclusively. Therefore, this variant has been classified as Likely Pathogenic.

Literature cited by the submitters: PubMed 25589632; PubMed 23975875; PubMed 27869827; PubMed 32964742.